The following is an entry in ClinVar:

NM_000038.6(APC):c.423-17del

Gene: APC (APC regulator of WNT signaling pathway; plus strand). Cytogenetic location: 5q22.2.
Variant type: Deletion.
Coding change: c.423-17del on transcript NM_000038.6 (MANE Select); 17 bases into the intron before coding-DNA position 423, one base deleted (T; older notation c.423-17delT).
Molecular consequence: intron variant.
Genome position (GRCh38, 1-based): chr5:112,775,612, T deleted; the last of 7 consecutive T bases (chr5:112,775,606-112,775,612); deleting any one gives the same sequence. VCF-style (leftmost placement, unchanged base first): chr5-112775605-CT-C. GRCh37 (hg19) VCF-style: chr5-112111302-CT-C.
Other names: c.-613-17del (NM_001407470.1, NM_001407472.1, NM_001354906.2 and 1 more transcripts); c.423-17del (NM_001407447.1, NM_001354895.2, NM_001407456.1 and 16 more transcripts); c.453-17del (NM_001407446.1, NM_001354897.2, NM_001354902.2 and 1 more transcripts); c.246-17del (NM_001407453.1, NM_001354900.2, NM_001354901.2 and 1 more transcripts); c.348-17del (NM_001407451.1, NM_001354898.2, NM_001354904.2).
Identifiers: ClinVar variation 3058326 (VCV003058326.2), dbSNP rs35031194, ClinGen allele CA038281.

ClinVar aggregate classification (germline): Likely benign (0 of 4 stars; one submission).

Conditions:
APC-related disorder. Also called: APC-related condition.

Submission:

PreventionGenetics, part of Exact Sciences
Classification: Likely benign for APC-related condition. Last evaluated: 2019-03-21. Review status: no assertion criteria provided. Collection method: clinical testing. Allele origin: germline.
Comment: This variant is classified as likely benign based on ACMG/AMP sequence variant interpretation guidelines (Richards et al. 2015 PMID: 25741868, with internal and published modifications).